The following is an entry in ClinVar:

ClinVar aggregate classification (germline): Uncertain significance. Review status: criteria provided, multiple submitters, no conflicts (2 of 4 stars). 2 submissions from 2 submitters: Uncertain significance (2). Last evaluated 2025-05-01.

Submissions (2):

GeneDx
Classification: Uncertain significance. Last evaluated: 2025-05-01. Review status: criteria provided, single submitter. Criteria: GeneDx Variant Classification Process June 2021. Collection method: clinical testing. Allele origin: germline. Affected: yes.
Comment: Reported previously in patients with generalized dystonia, diurnal fluctuation, and exceptional L-dopa response (PMID: 18044725); In silico analysis supports that this missense variant has a deleterious effect on protein structure/function; Not observed at significant frequency in large population cohorts (gnomAD); This variant is associated with the following publications: (PMID: 25525159, Giri2017[Thesis], 18044725)

Women's Health and Genetics/Laboratory Corporation of America, LabCorp
Classification: Uncertain significance. Last evaluated: 2024-12-09. Review status: criteria provided, single submitter. Criteria: LabCorp Variant Classification Summary - May 2015. Collection method: clinical testing. Allele origin: germline.
Comment: Variant summary: GCH1 c.625A>C (p.Thr209Pro) results in a non-conservative amino acid change in the encoded protein sequence. Five of five in-silico tools predict a damaging effect of the variant on protein function. The variant was absent in 251250 control chromosomes (gnomAD). c.625A>C has been reported in the literature in individuals affected with dopa-responsive dystonia (Camargos_2008). These data indicate that the variant may be associated with disease. To our knowledge, no experimental evidence demonstrating an impact on protein function has been reported. The following publication has been ascertained in the context of this evaluation (PMID: 18044725). No submitters have cited clinical-significance assessments for this variant to ClinVar. Based on the evidence outlined above, the variant was classified as VUS-possibly pathogenic.

Literature cited by the submitters: PubMed 18044725 (cited by Women's Health and Genetics/Laboratory Corporation of America, LabCorp).

NM_000161.3(GCH1):c.625A>C (p.Thr209Pro)

Gene: GCH1 (GTP cyclohydrolase 1; minus strand). Cytogenetic location: 14q22.2.
Variant type: single nucleotide variant.
Coding change: c.625A>C on transcript NM_000161.3 (MANE Select); coding-DNA position 625, A replaced by C.
Protein change: p.Thr209Pro; replaces threonine 209 with proline.
Molecular consequence: missense variant. On other transcripts: intron variant (1).
Genome position (GRCh38, 1-based): chr14:54,845,769, T>G on the plus strand (A>C on the coding strand, the complement: GCH1 is on the minus strand). VCF-style: chr14-54845769-T-G. GRCh37 (hg19) VCF-style: chr14-55312487-T-G.
Other names: c.625A>C, p.Thr209Pro (NM_001024024.2, NM_001024070.2, NM_001024071.2); c.331A>C, p.Thr111Pro (NM_001424105.1); c.510-2715A>C (NM_001424104.1); c.625A>C (NM_000161.2); short protein forms T111P, T209P.
Identifiers: ClinVar variation 3768185 (VCV003768185.2).